The following is an entry in ClinVar:

ClinVar aggregate classification (germline): Uncertain significance. Review status: criteria provided, multiple submitters, no conflicts (2 of 4 stars). 3 submissions from 3 submitters: Uncertain significance (3). Last evaluated 2026-08-01.

Conditions:
Inborn genetic diseases. Identifiers: MedGen C0950123, MeSH D030342.

Allele frequency attached by ClinVar (database versions not stated): ExAC 0.00001; gnomAD 0.00001; gnomAD exomes 0.00001; TOPMed 0.00004.
gnomAD v4.1: 23 of 1,611,576 alleles (0.0014%); highest among the groups gnomAD compares: Admixed American, 0.02%; no homozygotes.

Submissions (3):

CeGaT Center for Human Genetics Tuebingen
Classification: Uncertain significance. Last evaluated: 2026-08-01. Review status: criteria provided, single submitter. Criteria: CeGaT Center For Human Genetics Tuebingen Variant Classification Criteria Version 2. Collection method: clinical testing. Allele origin: germline. Affected: yes. Observed: 2 variant alleles.

Labcorp Genetics (formerly Invitae), Labcorp
Classification: Uncertain significance. Last evaluated: 2025-06-06. Review status: criteria provided, single submitter. Criteria: Invitae Variant Classification Sherloc (09022015). Collection method: clinical testing. Allele origin: germline.
Comment: This sequence change replaces glycine, which is neutral and non-polar, with arginine, which is basic and polar, at codon 809 of the CAMTA1 protein (p.Gly809Arg). This variant is present in population databases (rs748817784, gnomAD 0.02%). This variant has not been reported in the literature in individuals affected with CAMTA1-related conditions. ClinVar contains an entry for this variant (Variation ID: 3136903). Invitae Evidence Modeling of protein sequence and biophysical properties (such as structural, functional, and spatial information, amino acid conservation, physicochemical variation, residue mobility, and thermodynamic stability) indicates that this missense variant is not expected to disrupt CAMTA1 protein function with a negative predictive value of 80%. In summary, the available evidence is currently insufficient to determine the role of this variant in disease. Therefore, it has been classified as a Variant of Uncertain Significance.

Ambry Genetics
Classification: Uncertain significance for Inborn genetic diseases. Last evaluated: 2021-08-10. Review status: criteria provided, single submitter. Criteria: Ambry Variant Classification Scheme 2023. Collection method: clinical testing. Allele origin: germline.

NM_015215.4(CAMTA1):c.2425G>A (p.Gly809Arg)

Gene: CAMTA1 (calmodulin binding transcription activator 1; plus strand). Cytogenetic location: 1p36.23.
Variant type: single nucleotide variant.
Coding change: c.2425G>A on transcript NM_015215.4 (MANE Select); coding-DNA position 2425, G replaced by A.
Protein change: p.Gly809Arg; replaces glycine 809 with arginine.
Molecular consequence: missense variant.
Genome position (GRCh38, 1-based): chr1:7,664,972, G>A. VCF-style: chr1-7664972-G-A. GRCh37 (hg19) VCF-style: chr1-7725032-G-A.
Other names: c.2335G>A, p.Gly779Arg (NM_001349612.2, NM_001349608.2); c.2425G>A, p.Gly809Arg (NM_001410737.1, NM_001349609.2, NM_001349610.2); c.2353G>A, p.Gly785Arg (NM_001410738.1); short protein forms G785R, G779R, G809R.
Identifiers: ClinVar variation 3136903 (VCV003136903.8), dbSNP rs748817784, ClinGen allele CA566637.